The following is an entry in ClinVar:

NM_002691.4(POLD1):c.2455G>C (p.Asp819His)

Gene: POLD1 (DNA polymerase delta 1, catalytic subunit; plus strand). Cytogenetic location: 19q13.33.
Variant type: single nucleotide variant.
Coding change: c.2455G>C on transcript NM_002691.4 (MANE Select); coding-DNA position 2455, G replaced by C.
Protein change: p.Asp819His; replaces aspartic acid 819 with histidine.
Molecular consequence: missense variant. On other transcripts: non-coding transcript variant (1).
Genome position (GRCh38, 1-based): chr19:50,414,881, G>C. VCF-style: chr19-50414881-G-C. GRCh37 (hg19) VCF-style: chr19-50918138-G-C.
Other names: c.2455G>C, p.Asp819His (NM_001256849.1); c.2533G>C, p.Asp845His (NM_001308632.1); short protein forms D819H, D845H.
Identifiers: ClinVar variation 658766 (VCV000658766.8), dbSNP rs372947760, ClinGen allele CA406984782.

ClinVar aggregate classification (germline): Uncertain significance (1 of 4 stars; one submission).

Conditions:
POLD1-related polyposis and colorectal cancer syndrome (CRCS10). Also called: Colorectal cancer, susceptibility to, 10; Colorectal cancer 10; COLORECTAL CANCER, SUSCEPTIBILITY TO, ON CHROMOSOME 19q. Identifiers: Orphanet 220460, MedGen C2675481, MONDO:0012953, OMIM 612591.

Submission:

Labcorp Genetics (formerly Invitae), Labcorp
Classification: Uncertain significance for POLD1-related polyposis and colorectal cancer syndrome. Last evaluated: 2018-12-06. Review status: criteria provided, single submitter. Criteria: Invitae Variant Classification Sherloc (09022015). Collection method: clinical testing. Allele origin: germline.
Comment: This sequence change replaces aspartic acid with histidine at codon 819 of the POLD1 protein (p.Asp819His). The aspartic acid residue is moderately conserved and there is a moderate physicochemical difference between aspartic acid and histidine. This variant is not present in population databases (ExAC no frequency). This variant has not been reported in the literature in individuals with POLD1-related conditions. Algorithms developed to predict the effect of missense changes on protein structure and function are either unavailable or do not agree on the potential impact of this missense change (SIFT: "Deleterious"; PolyPhen-2: "Benign"; Align-GVGD: "Class C0"). In summary, the available evidence is currently insufficient to determine the role of this variant in disease. Therefore, it has been classified as a Variant of Uncertain Significance.